The following is an entry in ClinVar:

ClinVar aggregate classification (germline): Uncertain significance (1 of 4 stars; one submission).

gnomAD v4.1: 1 of 1,610,494 alleles (0.000062%); highest among the groups gnomAD compares: Admixed American, 0.0017%; no homozygotes.

Submission:

Labcorp Genetics (formerly Invitae), Labcorp
Classification: Uncertain significance. Last evaluated: 2025-03-06. Review status: criteria provided, single submitter. Criteria: Invitae Variant Classification Sherloc (09022015). Collection method: clinical testing. Allele origin: germline.
Comment: This sequence change replaces glutamic acid, which is acidic and polar, with glutamine, which is neutral and polar, at codon 673 of the TCIRG1 protein (p.Glu673Gln). This variant is not present in population databases (gnomAD no frequency). This variant has not been reported in the literature in individuals affected with TCIRG1-related conditions. An algorithm developed to predict the effect of missense changes on protein structure and function outputs the following: PolyPhen-2: "Benign". The glutamine amino acid residue is found in multiple mammalian species, which suggests that this missense change does not adversely affect protein function. In summary, the available evidence is currently insufficient to determine the role of this variant in disease. Therefore, it has been classified as a Variant of Uncertain Significance.

NM_006019.4(TCIRG1):c.2017G>C (p.Glu673Gln)

Gene: TCIRG1 (T cell immune regulator 1, ATPase H+ transporting V0 subunit a3; plus strand). Cytogenetic location: 11q13.2.
Variant type: single nucleotide variant.
Coding change: c.2017G>C on transcript NM_006019.4 (MANE Select); coding-DNA position 2017, G replaced by C.
Protein change: p.Glu673Gln; replaces glutamic acid 673 with glutamine.
Molecular consequence: missense variant.
Genome position (GRCh38, 1-based): chr11:68,049,965, G>C. VCF-style: chr11-68049965-G-C. GRCh37 (hg19) VCF-style: chr11-67817432-G-C.
Other names: c.1123G>C, p.Glu375Gln (NM_001351059.2); c.2017G>C, p.Glu673Gln (NM_001440552.1, NM_001440553.1, NM_001440554.1 and 2 more transcripts); c.1975G>C, p.Glu659Gln (NM_001440555.1, NM_001440556.1, NM_001440563.1); c.1804G>C, p.Glu602Gln (NM_001440559.1, NM_001440560.1, NM_001440561.1 and 2 more transcripts); c.1762G>C, p.Glu588Gln (NM_001440564.1); c.1717G>C, p.Glu573Gln (NM_001440565.1); c.1555G>C, p.Glu519Gln (NM_001440567.1); c.1549G>C, p.Glu517Gln (NM_001440568.1); and 2 more; short protein forms E375Q, E457Q, E517Q, E659Q, E673Q, E353Q, E573Q, E588Q.
Identifiers: ClinVar variation 4739565 (VCV004739565.1).
Genomic context (GRCh38, chr11:68,049,965, plus strand): 5'-GTGGTGGGGGACCTCCTGGGGCTGGAGTGCTGCCAACACTGCCTGCTCATGCCCCAGGAG[G>C]AAAACAAGGCCGGGTTGCTGGACCTGCCTGACGCATCTGTGAATGGCTGGAGCTCCGATG-3'
Protein context (NP_006010.2, residues 663-683): LRRRPADRQE[Glu673Gln]NKAGLLDLPD